The following is an entry in ClinVar:

ClinVar aggregate classification (germline): Benign. Review status: criteria provided, multiple submitters, no conflicts (2 of 4 stars). 4 submissions from 3 submitters: Benign (4). Last evaluated 2025-12-15.

Conditions:
Familial cutaneous telangiectasia and oropharyngeal predisposition cancer syndrome. Identifiers: Orphanet 313846, MedGen C3281203, MONDO:0013806, OMIM 614564.
Seckel syndrome 1 (SCKL1). Also called: MICROCEPHALIC PRIMORDIAL DWARFISM I. Identifiers: Orphanet 808, MedGen C4551474, MONDO:0008869, OMIM 210600.

Submissions (4):

Labcorp Genetics (formerly Invitae), Labcorp
Classification: Benign. Last evaluated: 2025-12-15. Review status: criteria provided, single submitter. Criteria: Invitae Variant Classification Sherloc (09022015). Collection method: clinical testing. Allele origin: germline.

Genome-Nilou Lab
Classification: Benign for Seckel syndrome 1. Last evaluated: 2023-02-08. Review status: criteria provided, single submitter. Criteria: ACMG Guidelines, 2015. Collection method: clinical testing. Allele origin: germline.

Genome-Nilou Lab
Classification: Benign for Familial cutaneous telangiectasia and oropharyngeal predisposition cancer syndrome. Last evaluated: 2023-02-08. Review status: criteria provided, single submitter. Criteria: ACMG Guidelines, 2015. Collection method: clinical testing. Allele origin: germline.

Women's Health and Genetics/Laboratory Corporation of America, LabCorp
Classification: Benign. Last evaluated: 2016-04-27. Review status: criteria provided, single submitter. Criteria: LabCorp Variant Classification Summary - May 2015. Collection method: clinical testing. Allele origin: germline.
Comment: Variant summary: The c.4153-10delT variant affects a non-conserved nucleotide, located in a polymorphic intronic position not widely known to affect splicing. Mutation taster predicts benign outcome for this variant along with 5/5 in silico tools predicting the variant not to have an impact on splicing. This variant is found in 6550/81728 control chromosomes at a frequency of 0.0801439, which is about 128230 times of the maximal expected frequency of a pathogenic allele (0.0000006), suggesting this variant is benign. The variant removes one T from a poly T (11 T bases in a row) area which is highly polymorphic in the general population further supporting a neutral impact. Considering all evidence, the variant was classified as Benign.

NM_001184.4(ATR):c.4153-10del

Gene: ATR (ATR checkpoint kinase; minus strand). Cytogenetic location: 3q23.
Variant type: Deletion.
Coding change: c.4153-10del on transcript NM_001184.4 (MANE Select); 10 bases into the intron before coding-DNA position 4153, one base deleted (T; older notation c.4153-10delT).
Molecular consequence: intron variant.
Genome position (GRCh38, 1-based): chr3:142,522,851, A deleted on the plus strand (T on the coding strand, the reverse complement: ATR is on the minus strand); the first of 12 consecutive A bases (chr3:142,522,851-142,522,862); deleting any one gives the same sequence. VCF-style (leftmost placement, unchanged base first): chr3-142522850-GA-G. GRCh37 (hg19) VCF-style: chr3-142241692-GA-G.
Other names: c.3961-10del (NM_001354579.2); c.4153-10delT (NM_001184.3).
Identifiers: ClinVar variation 496126 (VCV000496126.10), dbSNP rs112116713, ClinGen allele CA2649913.